The following is an entry in ClinVar:

ClinVar aggregate classification (germline): Uncertain significance (1 of 4 stars; one submission).

Conditions:
Epidermolysis bullosa simplex 5B, with muscular dystrophy (EBS5B). Also called: Epidermolysis bullosa simplex with muscular dystrophy; EPIDERMOLYSIS BULLOSA SIMPLEX AND LIMB-GIRDLE MUSCULAR DYSTROPHY. Identifiers: Orphanet 257, MedGen C2931072, MONDO:0009181, OMIM 226670.
Epidermolysis bullosa simplex 5C, with pyloric atresia (EBS5C). Also called: PLEC1-Related Epidermolysis Bullosa with Pyloric Atresia; PLEC-Related Epidermolysis Bullosa with Pyloric Atresia; Epidermolysis bullosa simplex with pyloric atresia. Identifiers: Orphanet 158684, MedGen C2677349, MONDO:0012807, OMIM 612138.
Autosomal recessive limb-girdle muscular dystrophy type 2Q (LGMDR17). Also called: MUSCULAR DYSTROPHY, LIMB-GIRDLE, AUTOSOMAL RECESSIVE 17. Identifiers: Orphanet 254361, MedGen C3150989, MONDO:0013390, OMIM 613723.
Epidermolysis bullosa simplex, Ogna type (EBS5A). Also called: Pidermolysis bullosa simplex 5A, Ogna type; EPIDERMOLYSIS BULLOSA SIMPLEX 5A, OGNA TYPE. Identifiers: Orphanet 79401, MedGen C0432317, MONDO:0007555, OMIM 131950.
Epidermolysis bullosa simplex with nail dystrophy (EBS5D). Identifiers: MedGen C4225309, MONDO:0014661, OMIM 616487.

gnomAD v4.1: 3 of 1,612,008 alleles (0.00019%); highest among the groups gnomAD compares: Admixed American, 0.0033%; no homozygotes.

Submission:

Labcorp Genetics (formerly Invitae), Labcorp
Classification: Uncertain significance for Autosomal recessive limb-girdle muscular dystrophy type 2Q; Epidermolysis bullosa simplex, Ogna type; Epidermolysis bullosa simplex with nail dystrophy; Epidermolysis bullosa simplex 5C, with pyloric atresia; Epidermolysis bullosa simplex 5B, with muscular dystrophy. Last evaluated: 2025-03-31. Review status: criteria provided, single submitter. Criteria: Invitae Variant Classification Sherloc (09022015). Collection method: clinical testing. Allele origin: germline.
Comment: This sequence change replaces arginine, which is basic and polar, with glycine, which is neutral and non-polar, at codon 690 of the PLEC protein (p.Arg690Gly). This variant is not present in population databases (gnomAD no frequency). This variant has not been reported in the literature in individuals affected with PLEC-related conditions. ClinVar contains an entry for this variant (Variation ID: 1391463). Invitae Evidence Modeling of protein sequence and biophysical properties (such as structural, functional, and spatial information, amino acid conservation, physicochemical variation, residue mobility, and thermodynamic stability) indicates that this missense variant is not expected to disrupt PLEC protein function with a negative predictive value of 80%. In summary, the available evidence is currently insufficient to determine the role of this variant in disease. Therefore, it has been classified as a Variant of Uncertain Significance.

NM_201384.3(PLEC):c.1987C>G (p.Arg663Gly)

Gene: PLEC (plectin; minus strand). Cytogenetic location: 8q24.3.
Variant type: single nucleotide variant.
Coding change: c.1987C>G on transcript NM_201384.3 (MANE Select); coding-DNA position 1987, C replaced by G.
Protein change: p.Arg663Gly; replaces arginine 663 with glycine.
Molecular consequence: missense variant.
Genome position (GRCh38, 1-based): chr8:143,932,225, G>C on the plus strand (C>G on the coding strand, the complement: PLEC is on the minus strand). VCF-style: chr8-143932225-G-C. GRCh37 (hg19) VCF-style: chr8-145006393-G-C.
Other names: c.1999C>G, p.Arg667Gly (NM_201383.3); c.2068C>G, p.Arg690Gly (NM_000445.5); c.1945C>G, p.Arg649Gly (NM_201378.4); c.1921C>G, p.Arg641Gly (NM_201379.3); c.2398C>G, p.Arg800Gly (NM_201380.4); c.1891C>G, p.Arg631Gly (NM_201381.3); c.1987C>G, p.Arg663Gly (NM_201382.4); short protein forms R631G, R649G, R663G, R800G, R641G, R667G, R690G.
Identifiers: ClinVar variation 1391463 (VCV001391463.7), dbSNP rs372672134, ClinGen allele CA372577679.